The following is an entry in ClinVar:

NM_000094.4(COL7A1):c.710_711delinsT (p.Asp237fs)

Gene: COL7A1 (collagen type VII alpha 1 chain; minus strand). Cytogenetic location: 3p21.31.
Variant type: Indel.
Coding change: c.710_711delinsT on transcript NM_000094.4 (MANE Select); coding-DNA positions 710 to 711, AC replaced by T.
Protein change: p.Asp237fs; shifts the reading frame from aspartic acid 237.
Molecular consequence: frameshift variant.
Genome position (GRCh38, 1-based): chr3:48,592,910-48,592,911, GT replaced by A on the plus strand (AC replaced by T on the coding strand, the reverse complement: COL7A1 is on the minus strand). VCF-style: chr3-48592910-GT-A. GRCh37 (hg19) VCF-style: chr3-48630343-GT-A.
Other names: c.710_711delACinsT, p.Asp237Valfs (NM_000094.3); short protein forms D237fs.
Identifiers: ClinVar variation 3029070 (VCV003029070.2), dbSNP rs2531337541, ClinGen allele CA2740094397.

ClinVar aggregate classification (germline): Likely pathogenic (0 of 4 stars; one submission).

Conditions:
COL7A1-related disorder. Also called: COL7A1- related disorders; COL7A1-related condition.

Submission:

PreventionGenetics, part of Exact Sciences
Classification: Likely pathogenic for COL7A1-related condition. Last evaluated: 2023-12-29. Review status: no assertion criteria provided. Collection method: clinical testing. Allele origin: germline.
Comment: The COL7A1 c.710_711delinsT variant is predicted to result in a frameshift and premature protein termination (p.Asp237Valfs*12). To our knowledge, this variant has not been reported in the literature or in a large population database, indicating this variant is rare. This frameshift variant is predicted to create a premature translational stop signal in COL7A1, a gene for which loss-of- function variants are known to be pathogenic. This variant is interpreted as likely pathogenic.